The following is an entry in ClinVar:

ClinVar aggregate classification (germline): Uncertain significance (1 of 4 stars; one submission).

Conditions:
Short-rib thoracic dysplasia 14 with polydactyly (SRTD14). Identifiers: Orphanet 397715, MedGen C4225286, MONDO:0014688, OMIM 616546.
Joubert syndrome 23 (JBTS23). Identifiers: Orphanet 475, MedGen C4084822, MONDO:0014664, OMIM 616490.

Allele frequency attached by ClinVar (database versions not stated): gnomAD exomes below 0.00001.

Submission:

Labcorp Genetics (formerly Invitae), Labcorp
Classification: Uncertain significance for Joubert syndrome 23; Short-rib thoracic dysplasia 14 with polydactyly. Last evaluated: 2022-10-17. Review status: criteria provided, single submitter. Criteria: Invitae Variant Classification Sherloc (09022015). Collection method: clinical testing. Allele origin: germline.
Comment: This variant, c.2947_2961del, results in the deletion of 5 amino acid(s) of the KIAA0586 protein (p.Glu983_Thr987del), but otherwise preserves the integrity of the reading frame. This variant is not present in population databases (gnomAD no frequency). This variant has not been reported in the literature in individuals affected with KIAA0586-related conditions. ClinVar contains an entry for this variant (Variation ID: 1397892). Experimental studies and prediction algorithms are not available or were not evaluated, and the functional significance of this variant is currently unknown. In summary, the available evidence is currently insufficient to determine the role of this variant in disease. Therefore, it has been classified as a Variant of Uncertain Significance.

NM_001329943.3(KIAA0586):c.2788_2802del (p.Glu930_Thr934del)

Gene: KIAA0586 (KIAA0586; plus strand). Cytogenetic location: 14q23.1.
Variant type: Deletion.
Coding change: c.2788_2802del on transcript NM_001329943.3 (MANE Select); coding-DNA positions 2788 to 2802, 15 bases deleted (GAGAGAAAAGAAACA).
Protein change: p.Glu930_Thr934del.
Molecular consequence: inframe deletion.
Genome position (GRCh38, 1-based): chr14:58,474,760-58,474,774, GAGAGAAAAGAAACA deleted. VCF-style (leftmost placement, unchanged base first): chr14-58474759-TGAGAGAAAAGAAACA-T. GRCh37 (hg19) VCF-style: chr14-58941477-TGAGAGAAAAGAAACA-T.
Other names: c.2947_2961del, p.Glu983_Thr987del (NM_001244189.2); c.2743_2757del, p.Glu915_Thr919del (NM_001244190.2); c.2533_2547del, p.Glu845_Thr849del (NM_001244191.2, NM_001329945.2, NM_001364700.1 and 1 more transcripts); c.2656_2670del, p.Glu886_Thr890del (NM_001244192.2); c.2368_2382del, p.Glu790_Thr794del (NM_001244193.2); c.2788_2802del, p.Glu930_Thr934del (NM_001329944.2, NM_001329946.2, NM_001329947.2); c.2560_2574del, p.Glu854_Thr858del (NM_014749.5).
Identifiers: ClinVar variation 1397892 (VCV001397892.6), dbSNP rs2141025393, ClinGen allele CA2573150067.
Genomic context (GRCh38, chr14:58,474,759, plus strand): 5'-TCCATTTCCGCCAGTTGCTTCTACTTTTCAGCCCACTGCTGATATTCTGGATAAAGTAAT[TGAGAGAAAAGAAACA>T]CTGGAAAATAGCTTAATTCAATGGTAAGTTTATAATGTTTTTGGTATGAATAGAACCATA-3'